The following is an entry in ClinVar:

NM_000025.3(ADRB3):c.452A>G (p.Lys151Arg)

Gene: ADRB3 (adrenoceptor beta 3; minus strand). Cytogenetic location: 8p11.23.
Variant type: single nucleotide variant.
Coding change: c.452A>G on transcript NM_000025.3 (MANE Select); coding-DNA position 452, A replaced by G.
Protein change: p.Lys151Arg; replaces lysine 151 with arginine.
Molecular consequence: missense variant.
Genome position (GRCh38, 1-based): chr8:37,966,018, T>C on the plus strand (A>G on the coding strand, the complement: ADRB3 is on the minus strand). VCF-style: chr8-37966018-T-C. GRCh37 (hg19) VCF-style: chr8-37823536-T-C.
Other names: c.452A>G (NM_000025.2); short protein forms K151R.
Identifiers: ClinVar variation 1050272 (VCV001050272.7), dbSNP rs200133226, ClinGen allele CA4714398.
Genomic context (GRCh38, chr8:37,966,018, plus strand): 5'-GCAAACGACACCGCGGCCGACACGACCCACACCAGGACCACAGCTGTCCGGGCGCAGCGC[T>C]TGGTGACCAGTGCGCCGTAACGCAGCGGGTTGGTCACAGCCAGGTAGCGGTCCACGGCCA-3'
Protein context (NP_000016.1, residues 141-161): NPLRYGALVT[Lys151Arg]RCARTAVVLV

ClinVar aggregate classification (germline): Uncertain significance. Review status: criteria provided, multiple submitters, no conflicts (2 of 4 stars). 4 submissions from 4 submitters: Uncertain significance (3). 1 of the submissions does not count toward it. Last evaluated 2025-04-09.

Conditions:
Obesity. Also called: Obesity disorder. Identifiers: Orphanet 71529, MedGen C0028754, MeSH D009765, MONDO:0011122, HP:0001513.

Allele frequency attached by ClinVar (database versions not stated): gnomAD 0.00014; gnomAD exomes 0.00022; TOPMed 0.00023; ExAC 0.00028.
gnomAD v4.1: 288 of 1,578,068 alleles (0.018%); highest among the groups gnomAD compares: Middle Eastern, 0.05%; no homozygotes.

Submissions (4):

Ambry Genetics
Classification: Uncertain significance. Last evaluated: 2025-04-09. Review status: criteria provided, single submitter. Criteria: Ambry Variant Classification Scheme 2023. Collection method: clinical testing. Allele origin: germline.

Fulgent Genetics
Classification: Uncertain significance for Inherited obesity. Last evaluated: 2022-03-14. Review status: criteria provided, single submitter. Criteria: ACMG Guidelines, 2015. Collection method: clinical testing. Allele origin: unknown.

Breakthrough Genomics
Classification: Uncertain significance. Review status: criteria provided, single submitter. Criteria: ACMG Guidelines, 2015. Collection method: not provided. Allele origin: germline. Inheritance: Autosomal recessive inheritance. Affected: yes.

Department of Pathology and Laboratory Medicine, Sinai Health System
Classification: Uncertain significance. Review status: no assertion criteria provided. Collection method: clinical testing. Allele origin: unknown. Affected: yes. Study: The Canadian Open Genetics Repository (COGR). Not counted in ClinVar's aggregate classification.
Comment: The ADRB3 p.Lys151Arg variant was not identified in the literature nor was it identified in ClinVar, Cosmic or LOVD 3.0. The variant was identified in dbSNP (ID: rs200133226) and in control databases in 44 of 220800 chromosomes at a frequency of 0.000199 (Genome Aggregation Database Feb 27, 2017). The variant was observed in the following populations: Ashkenazi Jewish in 21 of 9228 chromosomes (freq: 0.002276), European (non-Finnish) in 17 of 95098 chromosomes (freq: 0.000179), Latino in 5 of 28626 chromosomes (freq: 0.000175) and Other in 1 of 6142 chromosomes (freq: 0.000163); it was not observed in the African, East Asian, European (Finnish) and South Asian populations. The variant occurs outside of the splicing consensus sequence however 2 of 4 in silico or computational prediction software programs (SpliceSiteFinder, MaxEntScan) predict the gain of a 3' splice site at the variant location. However, this information is not predictive enough to assume pathogenicity. The p.Lys151 residue is conserved in mammals however computational analyses (PolyPhen-2, SIFT, AlignGVGD, BLOSUM, MutationTaster) provide inconsistent predictions regarding the impact to the protein; this information is not very predictive of pathogenicity. In summary, based on the above information the clinical significance of this variant cannot be determined with certainty at this time. This variant is classified as a variant of uncertain significance.